The following is an entry in ClinVar:

NM_000369.5(TSHR):c.*909C>T

Genes: TSHR-AS1 (TSHR antisense RNA 1; minus strand), TSHR (thyroid stimulating hormone receptor; plus strand). Cytogenetic location: 14q31.1.
Variant type: single nucleotide variant.
Coding change: c.*909C>T on transcript NM_000369.5 (MANE Select); 909 bases downstream of the stop codon, C replaced by T.
Molecular consequence: 3 prime UTR variant.
Genome position (GRCh38, 1-based): chr14:81,145,262, C>T. VCF-style: chr14-81145262-C-T. GRCh37 (hg19) VCF-style: chr14-81611606-C-T.
Identifiers: ClinVar variation 314711 (VCV000314711.6), dbSNP rs2288493, ClinGen allele CA10645155.
Genomic context (GRCh38, chr14:81,145,262, plus strand): 5'-GACTTAAATCTGTAGAAATGAAGGAGTCCAATAGCTTCTTCCAATTTTAAAACTCTAGTA[C>T]ATCCCTTTCCCTCAAATATATATTTCTAAGATAAAGAGAAAGAAGAGCACTAAGTAAGTA-3'

ClinVar aggregate classification (germline): Benign. Review status: criteria provided, multiple submitters, no conflicts (2 of 4 stars). 3 submissions from 2 submitters: Benign (3). Last evaluated 2018-01-12.

Conditions:
Familial hyperthyroidism due to mutations in TSH receptor. Also called: HYPERTHYROIDISM, CONGENITAL NONAUTOIMMUNE; HYPERTHYROIDISM, NONAUTOIMMUNE, AUTOSOMAL DOMINANT; TOXIC THYROID HYPERPLASIA, AUTOSOMAL DOMINANT. Identifiers: Orphanet 424, MedGen C1836706, MONDO:0012203, OMIM 609152.
Hypothyroidism due to TSH receptor mutations. Also called: HYPOTHYROIDISM DUE TO UNRESPONSIVENESS TO THYROTROPIN; HYPOTHYROIDISM, CONGENITAL, DUE TO TSH RESISTANCE; HYPOTHYROIDISM, NONAUTOIMMUNE; THYROID-STIMULATING HORMONE, RESISTANCE TO; TSH RESISTANCE; Hypothyroidism, congenital, nongoitrous, 1. Identifiers: Orphanet 90673, MedGen C3493776, MONDO:0010142, OMIM 275200.

Allele frequency attached by ClinVar (database versions not stated): TOPMed 0.14829; gnomAD 0.15203 and 0.15478; 1000 Genomes Project 30x 0.15350; 1000 Genomes Project 0.15575; gnomAD exomes 0.18769.
gnomAD v4.1: 38,677 of 232,862 alleles (17%); highest among the groups gnomAD compares: East Asian, 28%; 3,861 homozygotes.

Submissions (3):

Illumina Laboratory Services, Illumina
Classification: Benign for Hypothyroidism due to TSH receptor mutations. Last evaluated: 2018-01-12. Review status: criteria provided, single submitter. Criteria: ICSL Variant Classification Criteria 13 December 2019. Collection method: clinical testing. Allele origin: germline.
Comment: This variant was observed in the ICSL laboratory as part of a predisposition screen in an ostensibly healthy population. It had not been previously curated by ICSL or reported in the Human Gene Mutation Database (HGMD: prior to June 1st, 2018), and was therefore a candidate for classification through an automated scoring system. Utilizing variant allele frequency, disease prevalence and penetrance estimates, and inheritance mode, an automated score was calculated to assess if this variant is too frequent to cause the disease. Based on the score and internal cut-off values, a variant classified as benign is not then subjected to further curation. The score for this variant resulted in a classification of benign for this disease.

Illumina Laboratory Services, Illumina
Classification: Benign for Familial hyperthyroidism due to mutations in TSH receptor. Last evaluated: 2018-01-12. Review status: criteria provided, single submitter. Criteria: ICSL Variant Classification Criteria 13 December 2019. Collection method: clinical testing. Allele origin: germline.
Comment: the same text as in the submission from Illumina Laboratory Services, Illumina above.

Breakthrough Genomics
Classification: Benign. Review status: criteria provided, single submitter. Criteria: ACMG Guidelines, 2015. Collection method: not provided. Allele origin: germline. Inheritance: Autosomal recessive inheritance. Affected: yes.